The following is an entry in ClinVar:

ClinVar aggregate classification (germline): Uncertain significance (1 of 4 stars; one submission).

Conditions:
Cardiovascular phenotype. Identifiers: MedGen CN230736.

Submission:

Ambry Genetics
Classification: Uncertain significance for Cardiovascular phenotype. Last evaluated: 2022-04-21. Review status: criteria provided, single submitter. Criteria: Ambry Variant Classification Scheme 2023. Collection method: clinical testing. Allele origin: germline.
Comment: The p.P1861L variant (also known as c.5582C>T), located in coding exon 2 of the ZNF469 gene, results from a C to T substitution at nucleotide position 5582. The proline at codon 1861 is replaced by leucine, an amino acid with similar properties. This amino acid position is conserved. In addition, this alteration is predicted to be tolerated by in silico analysis. Since supporting evidence is limited at this time, the clinical significance of this alteration remains unclear.

NM_001367624.2(ZNF469):c.5666C>T (p.Pro1889Leu)

Gene: ZNF469 (zinc finger protein 469; plus strand). Cytogenetic location: 16q24.2.
Variant type: single nucleotide variant.
Coding change: c.5666C>T on transcript NM_001367624.2 (MANE Select); coding-DNA position 5666, C replaced by T.
Protein change: p.Pro1889Leu; replaces proline 1889 with leucine.
Molecular consequence: missense variant.
Genome position (GRCh38, 1-based): chr16:88,433,136, C>T. VCF-style: chr16-88433136-C-T. GRCh37 (hg19) VCF-style: chr16-88499544-C-T.
Other names: NM_001127464.1:c.5582C>T; short protein forms P1889L.
Identifiers: ClinVar variation 1748432 (VCV001748432.2), dbSNP rs2507591196, ClinGen allele CA397101770.